The following is an entry in ClinVar:

ClinVar aggregate classification (germline): Likely pathogenic (1 of 4 stars; one submission).

Conditions:
Pitt-Hopkins-like syndrome 2 (PTHSL2). Identifiers: Orphanet 221150, Orphanet 600663, MedGen C3280479, MONDO:0013690, OMIM 614325.

Submission:

Labcorp Genetics (formerly Invitae), Labcorp
Classification: Likely pathogenic for Pitt-Hopkins-like syndrome 2. Last evaluated: 2022-12-08. Review status: criteria provided, single submitter. Criteria: Invitae Variant Classification Sherloc (09022015). Collection method: clinical testing. Allele origin: unknown.
Comment: In summary, the currently available evidence indicates that the variant is pathogenic, but additional data are needed to prove that conclusively. Therefore, this variant has been classified as Likely Pathogenic. This variant has not been reported in the literature in individuals affected with NRXN1-related conditions. This variant results in a copy number gain of the genomic region encompassing exon(s) 10-18 of the NRXN1 gene. While the exact position of this variant cannot be determined from the data, sub-genic copy number gains are generally in tandem (PMID: 25640679). This variant is predicted to be out-of-frame, and may result in an absent or disrupted protein product. Loss-of-function variants in NRXN1 are known to be pathogenic (PMID: 19896112, 21964664, 23495017, 23533028, 25149956, 30031152).

Literature cited by the submitters: PubMed 25640679; PubMed 19896112; PubMed 21964664; PubMed 23495017; PubMed 23533028; PubMed 25149956; PubMed 30031152.

NC_000002.11:g.(?_50692560)_(50780183_?)dup

Gene: NRXN1 (neurexin 1; minus strand). Cytogenetic location: 2p16.3.
Variant type: Duplication.
Identifiers: ClinVar variation 3247389 (VCV003247389.1).